The following is an entry in ClinVar:

NM_001372.4(DNAH9):c.10360A>G (p.Thr3454Ala)

Genes: DNAH9 (dynein axonemal heavy chain 9; plus strand), LOC101928350 (uncharacterized LOC101928350; minus strand). Cytogenetic location: 17p12.
Variant type: single nucleotide variant.
Coding change: c.10360A>G on transcript NM_001372.4 (MANE Select); coding-DNA position 10360, A replaced by G.
Protein change: p.Thr3454Ala; replaces threonine 3454 with alanine.
Molecular consequence: missense variant. On other transcripts: non-coding transcript variant (1).
Genome position (GRCh38, 1-based): chr17:11,875,066, A>G. VCF-style: chr17-11875066-A-G. GRCh37 (hg19) VCF-style: chr17-11778383-A-G.
Other names: short protein forms T3454A.
Identifiers: ClinVar variation 2629516 (VCV002629516.1), dbSNP rs2544804561, ClinGen allele CA398196930.

ClinVar aggregate classification (germline): Uncertain significance (1 of 4 stars; one submission).

Conditions:
DNAH9-related disorder. Also called: DNAH9-related condition.

Submission:

PreventionGenetics, part of Exact Sciences
Classification: Uncertain significance for DNAH9-related condition. Last evaluated: 2023-06-30. Review status: criteria provided, single submitter. Criteria: ACMG Guidelines, 2015. Collection method: clinical testing. Allele origin: germline.
Comment: The DNAH9 c.10360A>G variant is predicted to result in the amino acid substitution p.Thr3454Ala. To our knowledge, this variant has not been reported in the literature or in a large population database, indicating this variant is rare. At this time, the clinical significance of this variant is uncertain due to the absence of conclusive functional and genetic evidence.